The following is an entry in ClinVar:

ClinVar aggregate classification (germline): Uncertain significance. Review status: criteria provided, single submitter (1 of 4 stars). 2 submissions from 2 submitters: Uncertain significance (1). 1 of the submissions does not count toward it. Last evaluated 2021-08-09.

Conditions:
NRP2-related disorder. Also called: NRP2-related condition.

Allele frequency attached by ClinVar (database versions not stated): 1000 Genomes Project 30x 0.00016; 1000 Genomes Project 0.00020; gnomAD 0.00020; TOPMed 0.00027; ESP Exome Variant Server 0.00031.
gnomAD v4.1: 85 of 1,613,942 alleles (0.0053%); highest among the groups gnomAD compares: African/African-American, 0.076%; no homozygotes.

Submissions (2):

Ambry Genetics
Classification: Uncertain significance. Last evaluated: 2021-08-09. Review status: criteria provided, single submitter. Criteria: Ambry Variant Classification Scheme 2023. Collection method: clinical testing. Allele origin: germline.

PreventionGenetics, part of Exact Sciences
Classification: Uncertain significance for NRP2-related condition. Last evaluated: 2024-09-07. Review status: no assertion criteria provided. Collection method: clinical testing. Allele origin: germline. Not counted in ClinVar's aggregate classification.
Comment: The NRP2 c.1799C>T variant is predicted to result in the amino acid substitution p.Thr600Met. To our knowledge, this variant has not been reported in the literature. This variant is reported in 0.048% of alleles in individuals of African descent in gnomAD. At this time, the clinical significance of this variant is uncertain due to the absence of conclusive functional and genetic evidence.

NM_003872.3(NRP2):c.1799C>T (p.Thr600Met)

Gene: NRP2 (neuropilin 2; plus strand). Cytogenetic location: 2q33.3.
Variant type: single nucleotide variant.
Coding change: c.1799C>T on transcript NM_003872.3 (MANE Select); coding-DNA position 1799, C replaced by T.
Protein change: p.Thr600Met; replaces threonine 600 with methionine.
Molecular consequence: missense variant.
Genome position (GRCh38, 1-based): chr2:205,749,737, C>T. VCF-style: chr2-205749737-C-T. GRCh37 (hg19) VCF-style: chr2-206614461-C-T.
Other names: c.1799C>T, p.Thr600Met (NM_018534.4, NM_201266.2, NM_201267.2 and 1 more transcripts); short protein forms T600M.
Identifiers: ClinVar variation 2345998 (VCV002345998.5), dbSNP rs140796876, ClinGen allele CA2069218.
Genomic context (GRCh38, chr2:205,749,737, plus strand): 5'-AACACAGGCTGCTACAGCATTCTCTTATCTTCCTTTGCCCTTACACAGACTCCAAGCCCA[C>T]GGTAGAGACGCTGGGACCCACTGTGAAGAGCGAAGAGACAACCACCCCCTACCCCACCGA-3'
Protein context (NP_003863.2, residues 590-610): LGCDWTDSKP[Thr600Met]VETLGPTVKS